The following is an entry in ClinVar:

ClinVar aggregate classification (germline): Uncertain significance (1 of 4 stars; one submission).

Conditions:
Encephalopathy, acute, infection-induced (herpes-specific), susceptibility to, 6. Also called: Herpes simplex encephalitis, susceptibility to, 4. Identifiers: Orphanet 1930, MedGen C3553869, MONDO:0013921, OMIM 614850.

Allele frequency attached by ClinVar (database versions not stated): gnomAD 0.00006 and 0.00010; gnomAD exomes 0.00017 and 0.00013; ExAC 0.00019; 1000 Genomes Project 30x 0.00047; 1000 Genomes Project 0.00060; TOPMed 0.00007; ESP Exome Variant Server 0.00008.
gnomAD v4.1: 208 of 1,609,732 alleles (0.013%); highest among the groups gnomAD compares: South Asian, 0.13%; no homozygotes.

Submission:

Labcorp Genetics (formerly Invitae), Labcorp
Classification: Uncertain significance for Encephalopathy, acute, infection-induced (herpes-specific), susceptibility to, 6. Last evaluated: 2024-08-06. Review status: criteria provided, single submitter. Criteria: Invitae Variant Classification Sherloc (09022015). Collection method: clinical testing. Allele origin: germline.
Comment: This sequence change replaces valine, which is neutral and non-polar, with methionine, which is neutral and non-polar, at codon 116 of the TICAM1 protein (p.Val116Met). This variant is present in population databases (rs199683447, gnomAD 0.1%). This variant has not been reported in the literature in individuals affected with TICAM1-related conditions. ClinVar contains an entry for this variant (Variation ID: 583177). An algorithm developed to predict the effect of missense changes on protein structure and function outputs the following: PolyPhen-2: "Benign". The methionine amino acid residue is found in multiple mammalian species, which suggests that this missense change does not adversely affect protein function. In summary, the available evidence is currently insufficient to determine the role of this variant in disease. Therefore, it has been classified as a Variant of Uncertain Significance.

NM_182919.4(TICAM1):c.346G>A (p.Val116Met)

Gene: TICAM1 (TIR domain containing adaptor molecule 1; minus strand). Cytogenetic location: 19p13.3.
Variant type: single nucleotide variant.
Coding change: c.346G>A on transcript NM_182919.4 (MANE Select); coding-DNA position 346, G replaced by A.
Protein change: p.Val116Met; replaces valine 116 with methionine.
Molecular consequence: missense variant. On other transcripts: intron variant (1).
Genome position (GRCh38, 1-based): chr19:4,818,032, C>T on the plus strand (G>A on the coding strand, the complement: TICAM1 is on the minus strand). VCF-style: chr19-4818032-C-T. GRCh37 (hg19) VCF-style: chr19-4818044-C-T.
Other names: c.304G>A, p.Val102Met (NM_001385678.1); c.211G>A, p.Val71Met (NM_001385679.1); c.-71-226G>A (NM_001385680.1); short protein forms V116M, V102M, V71M.
Identifiers: ClinVar variation 583177 (VCV000583177.9), dbSNP rs199683447, ClinGen allele CA9105377.